The following is an entry in ClinVar:

NM_022437.3(ABCG8):c.1202C>T (p.Thr401Met)

Gene: ABCG8 (ATP binding cassette subfamily G member 8; plus strand). Cytogenetic location: 2p21.
Variant type: single nucleotide variant.
Coding change: c.1202C>T on transcript NM_022437.3 (MANE Select); coding-DNA position 1202, C replaced by T.
Protein change: p.Thr401Met; replaces threonine 401 with methionine.
Molecular consequence: missense variant.
Genome position (GRCh38, 1-based): chr2:43,872,297, C>T. VCF-style: chr2-43872297-C-T. GRCh37 (hg19) VCF-style: chr2-44099436-C-T.
Other names: c.1199C>T, p.Thr400Met (NM_001357321.2); short protein forms T400M, T401M.
Identifiers: ClinVar variation 895179 (VCV000895179.8), dbSNP rs776792168, ClinGen allele CA1637338.

ClinVar aggregate classification (germline): Uncertain significance. Review status: criteria provided, multiple submitters, no conflicts (2 of 4 stars). 3 submissions from 3 submitters: Uncertain significance (3). Last evaluated 2026-04-13.

Conditions:
ABCG8-related disorder. Also called: ABCG8-related condition.
Sitosterolemia 1. Identifiers: MedGen C2749759, MONDO:0020747, OMIM 210250.
Cardiovascular phenotype. Identifiers: MedGen CN230736.

Allele frequency attached by ClinVar (database versions not stated): gnomAD exomes 0.00001; TOPMed 0.00001; ExAC 0.00003.
gnomAD v4.1: 27 of 1,613,738 alleles (0.0017%); highest among the groups gnomAD compares: Non-Finnish European, 0.0022%; no homozygotes.

Submissions (3):

PreventionGenetics, part of Exact Sciences
Classification: Uncertain significance for ABCG8-related condition. Last evaluated: 2026-04-13. Review status: criteria provided, single submitter. Criteria: ACMG Guidelines, 2015. Collection method: clinical testing. Allele origin: germline.
Comment: The ABCG8 c.1202C>T variant is predicted to result in the amino acid substitution p.Thr401Met. To our knowledge, this variant has not been reported in the literature. This variant is reported in 0.0027% of alleles in individuals of European (Non-Finnish) descent in gnomAD. At this time, the clinical significance of this variant is uncertain due to the absence of conclusive functional and genetic evidence.

Ambry Genetics
Classification: Uncertain significance for Cardiovascular phenotype. Last evaluated: 2025-02-23. Review status: criteria provided, single submitter. Criteria: Ambry Variant Classification Scheme 2023. Collection method: clinical testing. Allele origin: germline.
Comment: The p.T401M variant (also known as c.1202C>T), located in coding exon 8 of the ABCG8 gene, results from a C to T substitution at nucleotide position 1202. The threonine at codon 401 is replaced by methionine, an amino acid with similar properties. This amino acid position is conserved. In addition, this alteration is predicted to be tolerated by in silico analysis. Since supporting evidence is limited at this time, the clinical significance of this alteration remains unclear.

Illumina Laboratory Services, Illumina
Classification: Uncertain significance for Sitosterolemia 1. Last evaluated: 2018-01-13. Review status: criteria provided, single submitter. Criteria: ICSL Variant Classification Criteria 13 December 2019. Collection method: clinical testing. Allele origin: germline.